The following is an entry in ClinVar:

ClinVar aggregate classification (germline): Pathogenic (1 of 4 stars; one submission).

Submission:

Labcorp Genetics (formerly Invitae), Labcorp
Classification: Pathogenic. Last evaluated: 2023-09-15. Review status: criteria provided, single submitter. Criteria: Invitae Variant Classification Sherloc (09022015). Collection method: clinical testing. Allele origin: germline.
Comment: This sequence change creates a premature translational stop signal (p.Trp246*) in the LIFR gene. It is expected to result in an absent or disrupted protein product. Loss-of-function variants in LIFR are known to be pathogenic (PMID: 14740318). This variant is not present in population databases (gnomAD no frequency). This variant has not been reported in the literature in individuals affected with LIFR-related conditions. Algorithms developed to predict the effect of sequence changes on RNA splicing suggest that this variant may create or strengthen a splice site. For these reasons, this variant has been classified as Pathogenic.

Literature cited by the submitters: PubMed 14740318.

NM_001127671.2(LIFR):c.737G>A (p.Trp246Ter)

Gene: LIFR (LIF receptor subunit alpha; minus strand). Cytogenetic location: 5p13.1.
Variant type: single nucleotide variant.
Coding change: c.737G>A on transcript NM_001127671.2 (MANE Select); coding-DNA position 737, G replaced by A.
Protein change: p.Trp246Ter; replaces tryptophan 246 with a stop codon.
Molecular consequence: nonsense.
Genome position (GRCh38, 1-based): chr5:38,510,718, C>T on the plus strand (G>A on the coding strand, the complement: LIFR is on the minus strand). VCF-style: chr5-38510718-C-T. GRCh37 (hg19) VCF-style: chr5-38510820-C-T.
Other names: c.737G>A, p.Trp246Ter (NM_001364297.2, NM_001364298.2, NM_002310.6); short protein forms W246*.
Identifiers: ClinVar variation 2823663 (VCV002823663.3), dbSNP rs1745754747, ClinGen allele CA359547390.